The following is an entry in ClinVar:

NM_007194.4(CHEK2):c.359G>A (p.Ser120Asn)

Gene: CHEK2 (checkpoint kinase 2; minus strand). Cytogenetic location: 22q12.1.
Variant type: single nucleotide variant.
Coding change: c.359G>A on transcript NM_007194.4 (MANE Select); coding-DNA position 359, G replaced by A.
Protein change: p.Ser120Asn; replaces serine 120 with asparagine.
Molecular consequence: missense variant.
Genome position (GRCh38, 1-based): chr22:28,725,328, C>T on the plus strand (G>A on the coding strand, the complement: CHEK2 is on the minus strand). VCF-style: chr22-28725328-C-T. GRCh37 (hg19) VCF-style: chr22-29121316-C-T.
Other names: c.488G>A, p.Ser163Asn (NM_001005735.3); c.-419G>A (NM_001257387.3); c.359G>A, p.Ser120Asn (NM_001349956.3, NM_145862.3); short protein forms S120N, S163N.
Identifiers: ClinVar variation 185523 (VCV000185523.11), dbSNP rs786202246, ClinGen allele CA192180.

ClinVar aggregate classification (germline): Uncertain significance. Review status: criteria provided, multiple submitters, no conflicts (2 of 4 stars). 3 submissions from 3 submitters: Uncertain significance (3). Last evaluated 2024-09-29.

Conditions:
Hereditary cancer-predisposing syndrome. Also called: Hereditary neoplastic syndrome; Neoplastic Syndromes, Hereditary; Tumor predisposition; Hereditary Cancer Syndrome. Identifiers: Orphanet 140162, MedGen C0027672, MeSH D009386, MONDO:0015356.

gnomAD v4.1: 4 of 1,614,088 alleles (0.00025%); highest among the groups gnomAD compares: Non-Finnish European, 0.00034%; no homozygotes.

Submissions (3):

Ambry Genetics
Classification: Uncertain significance for Hereditary cancer-predisposing syndrome. Last evaluated: 2024-09-29. Review status: criteria provided, single submitter. Criteria: Ambry Variant Classification Scheme 2023. Collection method: clinical testing. Allele origin: germline.
Comment: The p.S120N variant (also known as c.359G>A), located in coding exon 2 of the CHEK2 gene, results from a G to A substitution at nucleotide position 359. The serine at codon 120 is replaced by asparagine, an amino acid with highly similar properties. This amino acid position is not well conserved in available vertebrate species. In addition, this alteration is predicted to be tolerated by in silico analysis. Based on the available evidence, the clinical significance of this variant remains unclear.

Color Diagnostics, LLC DBA Color Health
Classification: Uncertain significance for Hereditary cancer-predisposing syndrome. Last evaluated: 2022-09-06. Review status: criteria provided, single submitter. Criteria: ACMG Guidelines, 2015. Collection method: clinical testing. Allele origin: germline.
Comment: This missense variant replaces serine with asparagine at codon 120 of the CHEK2 protein. Computational prediction suggests that this variant may not impact protein structure and function (internally defined REVEL score threshold <= 0.5, PMID: 27666373). To our knowledge, functional studies have not been reported for this variant. This variant has not been reported in individuals affected with hereditary cancer in the literature. This variant has not been identified in the general population by the Genome Aggregation Database (gnomAD). The available evidence is insufficient to determine the role of this variant in disease conclusively. Therefore, this variant is classified as a Variant of Uncertain Significance.

GeneDx
Classification: Uncertain significance. Last evaluated: 2015-09-03. Review status: criteria provided, single submitter. Criteria: GeneDx Variant Classification (06012015). Collection method: clinical testing. Allele origin: germline. Affected: yes.
Comment: This variant is denoted CHEK2 c.359G>A at the cDNA level, p.Ser120Asn (S120N) at the protein level, and results in the change of a Serine to an Asparagine (AGC>AAC). This variant has not, to our knowledge, been published in the literature as pathogenic or benign. CHEK2 Ser120Asn was not observed in approximately 6,500 individuals of European and African American ancestry in the NHLBI Exome Sequencing Project, suggesting it is not a common benign variant in these populations. Since Serine and Asparagine share similar properties, this is considered a conservative amino acid substitution. CHEK2 Ser120Asn occurs at a position that is not conserved and is located in the FHA domain (Desrichard 2011, Roeb 2012). In silico analyses are inconsistent regarding the effect this variant may have on protein structure and function. Based on currently available information, it is unclear whether CHEK2 Ser120Asn is pathogenic or benign. We consider it to be a variant of uncertain significance.